The following is an entry in ClinVar:

ClinVar aggregate classification (germline): Conflicting classifications of pathogenicity. Review status: criteria provided, conflicting classifications (1 of 4 stars). 2 submissions from 2 submitters: Uncertain significance (1); Likely benign (1). Last evaluated 2023-03-23.

Conditions:
Hereditary cancer-predisposing syndrome. Also called: Neoplastic Syndromes, Hereditary; Tumor predisposition; Hereditary neoplastic syndrome; Hereditary Cancer Syndrome. Identifiers: Orphanet 140162, MedGen C0027672, MeSH D009386, MONDO:0015356.

Allele frequency attached by ClinVar (database versions not stated): gnomAD exomes below 0.00001.
gnomAD v4.1: 1 of 1,584,604 alleles (0.000063%); highest among the groups gnomAD compares: Non-Finnish European, 0.000086%; no homozygotes.

Submissions (2):

University of Washington Department of Laboratory Medicine, University of Washington
Classification: Likely benign for Hereditary cancer-predisposing syndrome. Last evaluated: 2023-03-23. Review status: criteria provided, single submitter. Criteria: Dines et al. (Genet Med. 2020). Collection method: curation. Allele origin: germline.
Comment: Missense variant in a coldspot region where missense variants are very unlikely to be pathogenic (PMID:31911673).

BRCA2 exon 11 coldspot. Reclassification based on statistical prior probability.

Ambry Genetics
Classification: Uncertain significance for Hereditary cancer-predisposing syndrome. Last evaluated: 2019-09-09. Review status: criteria provided, single submitter. Criteria: Ambry Variant Classification Scheme 2023. Collection method: clinical testing. Allele origin: germline.
Comment: The p.R1329T variant (also known as c.3986G>C), located in coding exon 10 of the BRCA2 gene, results from a G to C substitution at nucleotide position 3986. The arginine at codon 1329 is replaced by threonine, an amino acid with similar properties. This amino acid position is not well conserved in available vertebrate species. In addition, this alteration is predicted to be tolerated by in silico analysis. Since supporting evidence is limited at this time, the clinical significance of this alteration remains unclear.

NM_000059.4(BRCA2):c.3986G>C (p.Arg1329Thr)

Gene: BRCA2 (BRCA2 DNA repair associated; plus strand). Cytogenetic location: 13q13.1.
Variant type: single nucleotide variant.
Coding change: c.3986G>C on transcript NM_000059.4 (MANE Select); coding-DNA position 3986, G replaced by C.
Protein change: p.Arg1329Thr; replaces arginine 1329 with threonine.
Molecular consequence: missense variant.
Genome position (GRCh38, 1-based): chr13:32,338,341, G>C. VCF-style: chr13-32338341-G-C. GRCh37 (hg19) VCF-style: chr13-32912478-G-C.
Other names: short protein forms R1329T.
Identifiers: ClinVar variation 824460 (VCV000824460.6), dbSNP rs1566229484, ClinGen allele CA387778964.